The following is an entry in ClinVar:

NM_000368.5(TSC1):c.395_406delinsCA (p.Gly132fs)

Gene: TSC1 (TSC complex subunit 1; minus strand). Cytogenetic location: 9q34.13.
Variant type: Indel.
Coding change: c.395_406delinsCA on transcript NM_000368.5 (MANE Select); coding-DNA positions 395 to 406, GCGTCTTGGTGT replaced by CA.
Protein change: p.Gly132fs; shifts the reading frame from glycine 132.
Molecular consequence: frameshift variant.
Genome position (GRCh38, 1-based): chr9:132,923,450-132,923,461, ACACCAAGACGC replaced by TG on the plus strand (GCGTCTTGGTGT replaced by CA on the coding strand, the reverse complement: TSC1 is on the minus strand). VCF-style: chr9-132923450-ACACCAAGACGC-TG. GRCh37 (hg19) VCF-style: chr9-135798837-ACACCAAGACGC-TG.
Other names: c.395_406delinsCA, p.Gly132fs (NM_001162426.2); c.242_253delinsCA, p.Gly81fs (NM_001162427.2); c.32_43delinsCA, p.Gly11fs (NM_001362177.2); short protein forms G132fs, G11fs, G81fs.
Identifiers: ClinVar variation 49039 (VCV000049039.4), dbSNP rs118203380, ClinGen allele CA007540.

ClinVar aggregate classification (germline): Pathogenic. Review status: criteria provided, single submitter (1 of 4 stars). 2 submissions from 2 submitters: Pathogenic (1). 1 of the submissions does not count toward it. Last evaluated 2020-07-27.

Conditions:
Tuberous sclerosis syndrome (TSC). Also called: Tuberous Sclerosis Complex; Tuberous sclerosis. Identifiers: Orphanet 805, MedGen C0041341, MONDO:0001734.
Tuberous sclerosis 1 (TSC1). Identifiers: Orphanet 805, MedGen C1854465, MONDO:0008612, OMIM 191100.

Submissions (2):

Labcorp Genetics (formerly Invitae), Labcorp
Classification: Pathogenic for Tuberous sclerosis 1. Last evaluated: 2020-07-27. Review status: criteria provided, single submitter. Criteria: Invitae Variant Classification Sherloc (09022015). Collection method: clinical testing. Allele origin: germline.
Comment: This sequence change creates a premature translational stop signal (p.Gly132Alafs*2) in the TSC1 gene. It is expected to result in an absent or disrupted protein product. This variant is not present in population databases (ExAC no frequency). This variant has been reported in individuals in the Leiden Open-source Variation Database (PMID: 21520333). Loss-of-function variants in TSC1 are known to be pathogenic (PMID: 10227394, 17304050). For these reasons, this variant has been classified as Pathogenic.

Tuberous sclerosis database (TSC1)
No classification provided. Condition: TSC. Review status: no classification provided. Criteria: Tuberous Sclerosis Database Assertion Criteria 2015. Collection method: curation. Allele origin: germline. Affected: yes. Not counted in ClinVar's aggregate classification.

Literature cited by the submitters: PubMed 21520333 (cited by Labcorp Genetics (formerly Invitae), Labcorp); PubMed 10227394 (cited by Labcorp Genetics (formerly Invitae), Labcorp); PubMed 17304050 (cited by Labcorp Genetics (formerly Invitae), Labcorp).